The following is an entry in ClinVar:

NM_031293.3(PMFBP1):c.1142G>T (p.Arg381Leu)

Gene: PMFBP1 (polyamine modulated factor 1 binding protein 1; minus strand). Cytogenetic location: 16q22.2.
Variant type: single nucleotide variant.
Coding change: c.1142G>T on transcript NM_031293.3 (MANE Select); coding-DNA position 1142, G replaced by T.
Protein change: p.Arg381Leu; replaces arginine 381 with leucine.
Molecular consequence: missense variant.
Genome position (GRCh38, 1-based): chr16:72,136,509, C>A on the plus strand (G>T on the coding strand, the complement: PMFBP1 is on the minus strand). VCF-style: chr16-72136509-C-A. GRCh37 (hg19) VCF-style: chr16-72170408-C-A.
Other names: NC_000016.9:g.72170408C>A; c.707G>T, p.Arg236Leu (NM_001160213.2); short protein forms R236L, R381L.
Identifiers: ClinVar variation 3387854 (VCV003387854.15).

ClinVar aggregate classification (germline): Benign (1 of 4 stars; one submission).

Submissions (5):

CeGaT Center for Human Genetics Tuebingen
Classification: Benign. Last evaluated: 2025-11-01. Review status: criteria provided, single submitter. Criteria: CeGaT Center For Human Genetics Tuebingen Variant Classification Criteria Version 2. Collection method: clinical testing. Allele origin: germline. Affected: yes. Observed: 2 variant alleles.
Comment: PMFBP1: BP4, BS1, BS2

Dr. Peter K. Rogan Lab, Western University
No classification provided (evidence only). Condition: Clear cell carcinoma of kidney. Review status: no classification provided. Collection method: in vitro. Allele origin: not applicable. Functional consequence: retained intron. Not counted in ClinVar's aggregate classification.

Dr. Peter K. Rogan Lab, Western University
No classification provided (evidence only). Condition: Ovarian serous cystadenocarcinoma. Review status: no classification provided. Collection method: in vitro. Allele origin: not applicable. Functional consequence: retained intron. Not counted in ClinVar's aggregate classification.

Dr. Peter K. Rogan Lab, Western University
No classification provided (evidence only). Condition: Gastric cancer. Review status: no classification provided. Collection method: in vitro. Allele origin: not applicable. Functional consequence: retained intron. Not counted in ClinVar's aggregate classification.

Dr. Peter K. Rogan Lab, Western University
No classification provided (evidence only). Condition: Gastric cancer. Review status: no classification provided. Collection method: in vitro. Allele origin: not applicable. Functional consequence: retained intron. Not counted in ClinVar's aggregate classification.